The following is an entry in ClinVar:

ClinVar aggregate classification (germline): Uncertain significance. Review status: criteria provided, multiple submitters, no conflicts (2 of 4 stars). 2 submissions from 2 submitters: Uncertain significance (2). Last evaluated 2025-03-01.

Conditions:
Inborn genetic diseases. Identifiers: MedGen C0950123, MeSH D030342.

Allele frequency attached by ClinVar (database versions not stated): gnomAD exomes below 0.00001; gnomAD 0.00001; TOPMed 0.00001.
gnomAD v4.1: 7 of 1,613,826 alleles (0.00043%); highest among the groups gnomAD compares: Non-Finnish European, 0.00059%; no homozygotes.

Submissions (2):

Ambry Genetics
Classification: Uncertain significance for Inborn genetic diseases. Last evaluated: 2025-03-01. Review status: criteria provided, single submitter. Criteria: Ambry Variant Classification Scheme 2023. Collection method: clinical testing. Allele origin: germline.
Comment: The p.E753Q variant (also known as c.2257G>C), located in coding exon 1 of the SAMD9 gene, results from a G to C substitution at nucleotide position 2257. The glutamic acid at codon 753 is replaced by glutamine, an amino acid with highly similar properties. This amino acid position is conserved. In addition, this alteration is predicted to be tolerated by in silico analysis. Based on the available evidence, the clinical significance of this variant remains unclear.

Labcorp Genetics (formerly Invitae), Labcorp
Classification: Uncertain significance. Last evaluated: 2024-10-29. Review status: criteria provided, single submitter. Criteria: Invitae Variant Classification Sherloc (09022015). Collection method: clinical testing. Allele origin: germline.
Comment: This sequence change replaces glutamic acid, which is acidic and polar, with glutamine, which is neutral and polar, at codon 753 of the SAMD9 protein (p.Glu753Gln). This variant is present in population databases (no rsID available, gnomAD 0.002%). This variant has not been reported in the literature in individuals affected with SAMD9-related conditions. ClinVar contains an entry for this variant (Variation ID: 1939929). An algorithm developed to predict the effect of missense changes on protein structure and function outputs the following: PolyPhen-2: "Benign". The glutamine amino acid residue is found in multiple mammalian species, which suggests that this missense change does not adversely affect protein function. In summary, the available evidence is currently insufficient to determine the role of this variant in disease. Therefore, it has been classified as a Variant of Uncertain Significance.

NM_017654.4(SAMD9):c.2257G>C (p.Glu753Gln)

Gene: SAMD9 (sterile alpha motif domain containing 9; minus strand). Cytogenetic location: 7q21.2.
Variant type: single nucleotide variant.
Coding change: c.2257G>C on transcript NM_017654.4 (MANE Select); coding-DNA position 2257, G replaced by C.
Protein change: p.Glu753Gln; replaces glutamic acid 753 with glutamine.
Molecular consequence: missense variant.
Genome position (GRCh38, 1-based): chr7:93,103,841, C>G on the plus strand (G>C on the coding strand, the complement: SAMD9 is on the minus strand). VCF-style: chr7-93103841-C-G. GRCh37 (hg19) VCF-style: chr7-92733154-C-G.
Other names: c.2257G>C, p.Glu753Gln (NM_001193307.2); c.2257G>C (NM_017654.3); short protein forms E753Q.
Identifiers: ClinVar variation 1939929 (VCV001939929.6), dbSNP rs1175914307, ClinGen allele CA368191853.